The following is an entry in ClinVar:

ClinVar aggregate classification (germline): Uncertain significance (1 of 4 stars; one submission).

Conditions:
Tay-Sachs disease (TSD). Also called: HEXA DEFICIENCY; GM2 gangliosidosis, type 1; Hexosaminidase alpha-subunit deficiency (variant B); Sphingolipidosis, Tay-Sachs; Hexosaminidase A Deficiency; HEXA Disorders. Identifiers: Orphanet 845, MedGen C0039373, MONDO:0010100, OMIM 272800.

Submission:

Labcorp Genetics (formerly Invitae), Labcorp
Classification: Uncertain significance for Tay-Sachs disease. Last evaluated: 2022-03-10. Review status: criteria provided, single submitter. Criteria: Invitae Variant Classification Sherloc (09022015). Collection method: clinical testing. Allele origin: germline.
Comment: This sequence change replaces proline, which is neutral and non-polar, with arginine, which is basic and polar, at codon 79 of the HEXA protein (p.Pro79Arg). This variant is not present in population databases (gnomAD no frequency). This variant has not been reported in the literature in individuals affected with HEXA-related conditions. Algorithms developed to predict the effect of missense changes on protein structure and function output the following: SIFT: "Tolerated"; PolyPhen-2: "Benign"; Align-GVGD: "Class C0". The arginine amino acid residue is found in multiple mammalian species, which suggests that this missense change does not adversely affect protein function. In summary, the available evidence is currently insufficient to determine the role of this variant in disease. Therefore, it has been classified as a Variant of Uncertain Significance.

NM_000520.6(HEXA):c.236C>G (p.Pro79Arg)

Gene: HEXA (hexosaminidase subunit alpha; minus strand). Cytogenetic location: 15q23.
Variant type: single nucleotide variant.
Coding change: c.236C>G on transcript NM_000520.6 (MANE Select); coding-DNA position 236, C replaced by G.
Protein change: p.Pro79Arg; replaces proline 79 with arginine.
Molecular consequence: missense variant. On other transcripts: non-coding transcript variant (1).
Genome position (GRCh38, 1-based): chr15:72,375,737, G>C on the plus strand (C>G on the coding strand, the complement: HEXA is on the minus strand). VCF-style: chr15-72375737-G-C. GRCh37 (hg19) VCF-style: chr15-72668078-G-C.
Other names: c.236C>G, p.Pro79Arg (NM_001318825.2); short protein forms P79R.
Identifiers: ClinVar variation 2057112 (VCV002057112.1), dbSNP rs2542581182, ClinGen allele CA393070055.